The following is an entry in ClinVar:

NM_006206.6(PDGFRA):c.1012G>A (p.Glu338Lys)

Gene: PDGFRA (platelet derived growth factor receptor alpha; plus strand). Cytogenetic location: 4q12.
Variant type: single nucleotide variant.
Coding change: c.1012G>A on transcript NM_006206.6 (MANE Select); coding-DNA position 1012, G replaced by A.
Protein change: p.Glu338Lys; replaces glutamic acid 338 with lysine.
Molecular consequence: missense variant.
Genome position (GRCh38, 1-based): chr4:54,267,632, G>A. VCF-style: chr4-54267632-G-A. GRCh37 (hg19) VCF-style: chr4-55133799-G-A.
Other names: c.1012G>A, p.Glu338Lys (NM_001347827.2, NM_001347829.2); c.1087G>A, p.Glu363Lys (NM_001347828.2); c.1051G>A, p.Glu351Lys (NM_001347830.2); short protein forms E363K, E338K, E351K.
Identifiers: ClinVar variation 2084185 (VCV002084185.4), dbSNP rs2110267025, ClinGen allele CA356891608.

ClinVar aggregate classification (germline): Uncertain significance (1 of 4 stars; one submission).

Conditions:
Gastrointestinal stromal tumor. Also called: Gastrointestinal stroma tumor; Gastrointestinal stromal tumor, somatic. Identifiers: Orphanet 44890, MedGen C0238198, MeSH D046152, MONDO:0011719, OMIM 606764, HP:0100723.

Submission:

Labcorp Genetics (formerly Invitae), Labcorp
Classification: Uncertain significance for Gastrointestinal stromal tumor. Last evaluated: 2023-03-04. Review status: criteria provided, single submitter. Criteria: Invitae Variant Classification Sherloc (09022015). Collection method: clinical testing. Allele origin: germline.
Comment: This sequence change replaces glutamic acid, which is acidic and polar, with lysine, which is basic and polar, at codon 338 of the PDGFRA protein (p.Glu338Lys). This variant is not present in population databases (gnomAD no frequency). This variant has not been reported in the literature in individuals affected with PDGFRA-related conditions. ClinVar contains an entry for this variant (Variation ID: 2084185). Advanced modeling of protein sequence and biophysical properties (such as structural, functional, and spatial information, amino acid conservation, physicochemical variation, residue mobility, and thermodynamic stability) performed at Invitae indicates that this missense variant is not expected to disrupt PDGFRA protein function. In summary, the available evidence is currently insufficient to determine the role of this variant in disease. Therefore, it has been classified as a Variant of Uncertain Significance.